The following is an entry in ClinVar:

ClinVar aggregate classification (germline): Pathogenic (1 of 4 stars; one submission).

Conditions:
Primary ciliary dyskinesia 23 (CILD23). Also called: CILIARY DYSKINESIA, PRIMARY, 23, WITH OR WITHOUT SITUS INVERSUS. Identifiers: Orphanet 244, MedGen C3809548, MONDO:0014193, OMIM 615451.

Submission:

Labcorp Genetics (formerly Invitae), Labcorp
Classification: Pathogenic for Primary ciliary dyskinesia 23. Last evaluated: 2023-07-19. Review status: criteria provided, single submitter. Criteria: Invitae Variant Classification Sherloc (09022015). Collection method: clinical testing. Allele origin: unknown.
Comment: For these reasons, this variant has been classified as Pathogenic. A similar copy number variant has been observed in individual(s) with primary ciliary dyskinesia (Invitae). This variant is a gross deletion of the genomic region encompassing exon(s) 20 of the ARMC4 gene, which includes the termination codon. This deletion extends beyond the assayed region for this gene and therefore may encompass additional genes. While this deletion is not anticipated to lead to nonsense mediated decay, it is expected to alter mRNA translation or result in a truncated protein product.

NC_000010.10:g.(?_28101441)_(28101574_?)del

Gene: ODAD2 (outer dynein arm docking complex subunit 2; minus strand). Cytogenetic location: 10p12.1.
Variant type: Deletion.
Identifiers: ClinVar variation 3244906 (VCV003244906.1).